The following is an entry in ClinVar:

NC_000003.11:g.(?_25792569)_(25805822_?)dup

Gene: NGLY1 (N-glycanase 1; minus strand). Cytogenetic location: 3p24.2.
Variant type: Duplication.
Identifiers: ClinVar variation 3246929 (VCV003246929.1).

ClinVar aggregate classification (germline): Likely pathogenic (1 of 4 stars; one submission).

Conditions:
Congenital disorder of deglycosylation (CDDG). Identifiers: MedGen C3808991, MONDO:0031376.

Submission:

Labcorp Genetics (formerly Invitae), Labcorp
Classification: Likely pathogenic for Congenital disorder of deglycosylation. Last evaluated: 2023-07-08. Review status: criteria provided, single submitter. Criteria: Invitae Variant Classification Sherloc (09022015). Collection method: clinical testing. Allele origin: unknown.
Comment: This variant has not been reported in the literature in individuals affected with NGLY1-related conditions. In summary, the currently available evidence indicates that the variant is pathogenic, but additional data are needed to prove that conclusively. Therefore, this variant has been classified as Likely Pathogenic. This variant results in a copy number gain of the genomic region encompassing exon(s) 3-4 of the NGLY1 gene. While the exact position of this variant cannot be determined from the data, sub-genic copy number gains are generally in tandem (PMID: 25640679). This variant is predicted to be out-of-frame, and may result in an absent or disrupted protein product. Loss-of-function variants in NGLY1 are known to be pathogenic (PMID: 24651605).

Literature cited by the submitters: PubMed 25640679; PubMed 24651605.